The following is an entry in ClinVar:

ClinVar aggregate classification (germline): Uncertain significance (1 of 4 stars; one submission).

Submission:

GeneDx
Classification: Uncertain significance. Last evaluated: 2023-04-13. Review status: criteria provided, single submitter. Criteria: GeneDx Variant Classification Process June 2021. Collection method: clinical testing. Allele origin: germline. Affected: yes.
Comment: Not observed at significant frequency in large population cohorts (gnomAD); In silico analysis supports that this missense variant has a deleterious effect on protein structure/function; Has not been previously published as pathogenic or benign to our knowledge

NM_001035.3(RYR2):c.9884G>T (p.Trp3295Leu)

Gene: RYR2 (ryanodine receptor 2; plus strand). Cytogenetic location: 1q43.
Variant type: single nucleotide variant.
Coding change: c.9884G>T on transcript NM_001035.3 (MANE Select); coding-DNA position 9884, G replaced by T.
Protein change: p.Trp3295Leu; replaces tryptophan 3295 with leucine.
Molecular consequence: missense variant.
Genome position (GRCh38, 1-based): chr1:237,707,252, G>T. VCF-style: chr1-237707252-G-T. GRCh37 (hg19) VCF-style: chr1-237870552-G-T.
Other names: short protein forms W3295L.
Identifiers: ClinVar variation 2662871 (VCV002662871.1), dbSNP rs2149059730, ClinGen allele CA345409564.